The following is an entry in ClinVar:

NM_000046.5(ARSB):c.1446A>G (p.Glu482=)

Gene: ARSB (arylsulfatase B; minus strand). Cytogenetic location: 5q14.1.
Variant type: single nucleotide variant.
Coding change: c.1446A>G on transcript NM_000046.5 (MANE Select); coding-DNA position 1446, A replaced by G.
Protein change: p.Glu482=; no amino-acid change (glutamic acid 482 retained).
Molecular consequence: synonymous variant.
Genome position (GRCh38, 1-based): chr5:78,780,553, T>C on the plus strand (A>G on the coding strand, the complement: ARSB is on the minus strand). VCF-style: chr5-78780553-T-C. GRCh37 (hg19) VCF-style: chr5-78076376-T-C.
Other names: p.Glu482=.
Identifiers: ClinVar variation 354306 (VCV000354306.18), dbSNP rs35714924, ClinGen allele CA3317981.
Genomic context (GRCh38, chr5:78,780,553, plus strand): 5'-TAGGCGGGACAGGAGCTTTGTGACGATGTGAGGATATTCTCTGGACAGGTCATGTCTTTC[T>C]TCAGGGTCCCGATCAATATCAAAGAGCCAGAGGGTCTTGGTTGGTGGGTCTGATGAGGGT-3'
Protein context (NP_000037.2, residues 472-492): LWLFDIDRDP[Glu482=]ERHDLSREYP

ClinVar aggregate classification (germline): Benign. Review status: criteria provided, multiple submitters, no conflicts (2 of 4 stars). 5 submissions from 5 submitters: Benign (4). 1 of the submissions does not count toward it. Last evaluated 2026-02-02.

Conditions:
Mucopolysaccharidosis type 6 (MPS6). Also called: ARSB DEFICIENCY; ARYLSULFATASE B DEFICIENCY; MPS VI; N-ACETYLGALACTOSAMINE-4-SULFATASE DEFICIENCY; MPS 6; Maroteaux Lamy syndrome. Identifiers: Orphanet 583, MedGen C0026709, MONDO:0009661, OMIM 253200.

Allele frequency attached by ClinVar (database versions not stated): gnomAD exomes 0.00111 and 0.00301; ExAC 0.00362; gnomAD 0.01147 and 0.01223; ESP Exome Variant Server 0.01246; TOPMed 0.01300; 1000 Genomes Project 0.01438; 1000 Genomes Project 30x 0.01608.
gnomAD v4.1: 3,429 of 1,614,140 alleles (0.21%); highest among the groups gnomAD compares: African/African-American, 3.9%; 71 homozygotes.

Submissions (5):

Labcorp Genetics (formerly Invitae), Labcorp
Classification: Benign for Mucopolysaccharidosis type 6. Last evaluated: 2026-02-02. Review status: criteria provided, single submitter. Criteria: Invitae Variant Classification Sherloc (09022015). Collection method: clinical testing. Allele origin: germline.

Mayo Clinic Laboratories, Mayo Clinic
Classification: Benign. Last evaluated: 2021-06-28. Review status: criteria provided, single submitter. Criteria: ACMG Guidelines, 2015. Collection method: clinical testing. Allele origin: germline. Observed: 9 variant alleles.

Illumina Laboratory Services, Illumina
Classification: Benign for Mucopolysaccharidosis type 6. Last evaluated: 2018-01-13. Review status: criteria provided, single submitter. Criteria: ICSL Variant Classification Criteria 13 December 2019. Collection method: clinical testing. Allele origin: germline.
Comment: This variant was observed in the ICSL laboratory as part of a predisposition screen in an ostensibly healthy population. It had not been previously curated by ICSL or reported in the Human Gene Mutation Database (HGMD: prior to June 1st, 2018), and was therefore a candidate for classification through an automated scoring system. Utilizing variant allele frequency, disease prevalence and penetrance estimates, and inheritance mode, an automated score was calculated to assess if this variant is too frequent to cause the disease. Based on the score and internal cut-off values, a variant classified as benign is not then subjected to further curation. The score for this variant resulted in a classification of benign for this disease.

Breakthrough Genomics
Classification: Benign. Review status: criteria provided, single submitter. Criteria: ACMG Guidelines, 2015. Collection method: not provided. Allele origin: germline. Inheritance: Autosomal recessive inheritance. Affected: yes.

Natera, Inc.
Classification: Benign for Mucopolysaccharidosis type VI. Last evaluated: 2020-09-16. Review status: no assertion criteria provided. Collection method: clinical testing. Allele origin: germline. Not counted in ClinVar's aggregate classification.